The following is an entry in ClinVar:

ClinVar aggregate classification (germline): Benign/Likely benign. Review status: criteria provided, multiple submitters, no conflicts (2 of 4 stars). 14 submissions from 11 submitters: Benign (11); Likely benign (2). 1 of the submissions does not count toward it. Last evaluated 2026-05-01.

Conditions:
Fetal akinesia, respiratory insufficiency, microcephaly, polymicrogyria, and dysmorphic facies. Identifiers: MedGen C5562015, MONDO:0859204, OMIM 619602.
Developmental and epileptic encephalopathy 98. Identifiers: MedGen C5562017, MONDO:0030472, OMIM 619605.
ATP1A2-related disorder. Also called: ATP1A2-RELATED DISORDERS; ATP1A2-related condition.
Inborn genetic diseases. Identifiers: MedGen C0950123, MeSH D030342.
Familial hemiplegic migraine. Identifiers: MedGen C0338484, MONDO:0000700.
Alternating hemiplegia of childhood 1 (AHC1). Identifiers: Orphanet 2131, MedGen C3549447, MONDO:0007087, OMIM 104290.
Migraine, familial hemiplegic, 2. Identifiers: Orphanet 569, MedGen C1865322, MONDO:0011232, OMIM 602481.

Allele frequency attached by ClinVar (database versions not stated): gnomAD exomes 0.00029 and 0.00082; ExAC 0.00100; gnomAD 0.00307 and 0.00323; ESP Exome Variant Server 0.00315; 1000 Genomes Project 0.00319; TOPMed 0.00329; 1000 Genomes Project 30x 0.00375.
gnomAD v4.1: 890 of 1,614,194 alleles (0.055%); highest among the groups gnomAD compares: African/African-American, 1%; 2 homozygotes.

Submissions (14):

CeGaT Center for Human Genetics Tuebingen
Classification: Likely benign. Last evaluated: 2026-05-01. Review status: criteria provided, single submitter. Criteria: CeGaT Center For Human Genetics Tuebingen Variant Classification Criteria Version 2. Collection method: clinical testing. Allele origin: germline. Affected: yes. Observed: 5 variant alleles.
Comment: ATP1A2: BP4, BS1

Labcorp Genetics (formerly Invitae), Labcorp
Classification: Benign for Familial hemiplegic migraine. Last evaluated: 2026-01-14. Review status: criteria provided, single submitter. Criteria: Invitae Variant Classification Sherloc (09022015). Collection method: clinical testing. Allele origin: germline.

Mayo Clinic Laboratories, Mayo Clinic
Classification: Benign. Last evaluated: 2025-03-21. Review status: criteria provided, single submitter. Criteria: ACMG Guidelines, 2015. Collection method: clinical testing. Allele origin: germline. Observed: 4 variant alleles.
Comment: BA1

Blueprint Genetics
Classification: Likely benign. Last evaluated: 2024-09-24. Review status: criteria provided, single submitter. Criteria: ACMG Guidelines, 2015. Collection method: clinical testing. Allele origin: germline.

Genome-Nilou Lab
Classification: Benign for Alternating hemiplegia of childhood 1. Last evaluated: 2021-12-05. Review status: criteria provided, single submitter. Criteria: ACMG Guidelines, 2015. Collection method: clinical testing. Allele origin: germline. Affected: no.

Genome-Nilou Lab
Classification: Benign for Developmental and epileptic encephalopathy 98. Last evaluated: 2021-12-05. Review status: criteria provided, single submitter. Criteria: ACMG Guidelines, 2015. Collection method: clinical testing. Allele origin: germline. Affected: no.

Genome-Nilou Lab
Classification: Benign for Fetal akinesia, respiratory insufficiency, microcephaly, polymicrogyria, and dysmorphic facies. Last evaluated: 2021-12-05. Review status: criteria provided, single submitter. Criteria: ACMG Guidelines, 2015. Collection method: clinical testing. Allele origin: germline. Affected: no.

Genome-Nilou Lab
Classification: Benign for Migraine, familial hemiplegic, 2. Last evaluated: 2021-12-05. Review status: criteria provided, single submitter. Criteria: ACMG Guidelines, 2015. Collection method: clinical testing. Allele origin: germline. Affected: no.

Athena Diagnostics
Classification: Benign. Last evaluated: 2018-05-21. Review status: criteria provided, single submitter. Criteria: Athena Diagnostics Criteria. Collection method: clinical testing. Allele origin: germline.

Ambry Genetics
Classification: Benign for Inborn genetic diseases. Last evaluated: 2016-08-29. Review status: criteria provided, single submitter. Criteria: Ambry Variant Classification Scheme 2023. Collection method: clinical testing. Allele origin: germline.

Eurofins Ntd Llc (ga)
Classification: Benign. Last evaluated: 2014-07-04. Review status: criteria provided, single submitter. Criteria: EGL Classification Definitions 2015. Collection method: clinical testing. Allele origin: germline. Observed: 1 variant allele, 1 heterozygote.

GeneDx
Classification: Benign. Last evaluated: 2013-05-26. Review status: criteria provided, single submitter. Criteria: GeneDx Variant Classification (06012015). Collection method: clinical testing. Allele origin: germline. Affected: yes.
Comment: This variant is considered likely benign or benign based on one or more of the following criteria: it is a conservative change, it occurs at a poorly conserved position in the protein, it is predicted to be benign by multiple in silico algorithms, and/or has population frequency not consistent with disease.

Breakthrough Genomics
Classification: Benign. Review status: criteria provided, single submitter. Criteria: ACMG Guidelines, 2015. Collection method: not provided. Allele origin: germline. Inheritance: Autosomal recessive inheritance. Affected: yes.

PreventionGenetics, part of Exact Sciences
Classification: Benign for ATP1A2-related condition. Last evaluated: 2019-03-25. Review status: no assertion criteria provided. Collection method: clinical testing. Allele origin: germline. Not counted in ClinVar's aggregate classification.
Comment: This variant is classified as benign based on ACMG/AMP sequence variant interpretation guidelines (Richards et al. 2015 PMID: 25741868, with internal and published modifications).

NM_000702.4(ATP1A2):c.1125G>A (p.Lys375=)

Gene: ATP1A2 (ATPase Na+/K+ transporting subunit alpha 2; plus strand). Cytogenetic location: 1q23.2.
Variant type: single nucleotide variant.
Coding change: c.1125G>A on transcript NM_000702.4 (MANE Select); coding-DNA position 1125, G replaced by A.
Protein change: p.Lys375=; no amino-acid change (lysine 375 retained).
Molecular consequence: synonymous variant.
Genome position (GRCh38, 1-based): chr1:160,128,759, G>A. VCF-style: chr1-160128759-G-A. GRCh37 (hg19) VCF-style: chr1-160098549-G-A.
Other names: p.K375K:AAG>AAA; p.Lys375=.
Identifiers: ClinVar variation 136447 (VCV000136447.49), dbSNP rs61734526, ClinGen allele CA303070.